The following is an entry in ClinVar:

ClinVar aggregate classification (germline): Uncertain significance. Review status: criteria provided, multiple submitters, no conflicts (2 of 4 stars). 2 submissions from 2 submitters: Uncertain significance (2). Last evaluated 2026-09-10.

Conditions:
Leber congenital amaurosis 1 (LCA1). Also called: AMAUROSIS CONGENITA OF LEBER I; Congenital absence of the rods and cones; Leber's congenital tapetoretinal degeneration; Leber's congenital tapetoretinal dysplasia; RETINAL BLINDNESS, CONGENITAL. Identifiers: Orphanet 65, MedGen C2931258, MONDO:0008764, OMIM 204000.
Cone-rod dystrophy 6 (CORD6). Also called: Cone dystrophy progressive; RETINAL CONE DYSTROPHY 2. Identifiers: Orphanet 1872, MedGen C1866293, MONDO:0011143, OMIM 601777.
GUCY2D-related disorder. Also called: GUCY2D-related condition.

Allele frequency attached by ClinVar (database versions not stated): gnomAD exomes below 0.00001; ExAC 0.00002; gnomAD 0.00002; TOPMed 0.00002; ESP Exome Variant Server 0.00008.

Submissions (2):

PreventionGenetics, part of Exact Sciences
Classification: Uncertain significance for GUCY2D-related condition. Last evaluated: 2026-09-10. Review status: criteria provided, single submitter. Criteria: ACMG Guidelines, 2015. Collection method: clinical testing. Allele origin: germline.
Comment: The GUCY2D c.2450T>C variant is predicted to result in the amino acid substitution p.Ile817Thr. To our knowledge, this variant has not been reported in the literature. This variant is present in 0.016% of alleles in individuals of African descent in gnomAD. At this time, the clinical significance of this variant is uncertain due to the absence of conclusive functional and genetic evidence.

Labcorp Genetics (formerly Invitae), Labcorp
Classification: Uncertain significance for Leber congenital amaurosis 1; Cone-rod dystrophy 6. Last evaluated: 2022-03-12. Review status: criteria provided, single submitter. Criteria: Invitae Variant Classification Sherloc (09022015). Collection method: clinical testing. Allele origin: germline.
Comment: This sequence change replaces isoleucine, which is neutral and non-polar, with threonine, which is neutral and polar, at codon 817 of the GUCY2D protein (p.Ile817Thr). In summary, the available evidence is currently insufficient to determine the role of this variant in disease. Therefore, it has been classified as a Variant of Uncertain Significance. Algorithms developed to predict the effect of missense changes on protein structure and function (SIFT, PolyPhen-2, Align-GVGD) all suggest that this variant is likely to be disruptive. This variant has not been reported in the literature in individuals affected with GUCY2D-related conditions. This variant is present in population databases (rs139046650, gnomAD 0.02%).

NM_000180.4(GUCY2D):c.2450T>C (p.Ile817Thr)

Gene: GUCY2D (guanylate cyclase 2D, retinal; plus strand). Cytogenetic location: 17p13.1.
Variant type: single nucleotide variant.
Coding change: c.2450T>C on transcript NM_000180.4 (MANE Select); coding-DNA position 2450, T replaced by C.
Protein change: p.Ile817Thr; replaces isoleucine 817 with threonine.
Molecular consequence: missense variant.
Genome position (GRCh38, 1-based): chr17:8,014,638, T>C. VCF-style: chr17-8014638-T-C. GRCh37 (hg19) VCF-style: chr17-7917956-T-C.
Other names: c.2450T>C (NM_000180.3); short protein forms I817T.
Identifiers: ClinVar variation 2040034 (VCV002040034.5), dbSNP rs139046650, ClinGen allele CA8366135.